The following is an entry in ClinVar:

NM_000051.4(ATM):c.6154G>A (p.Glu2052Lys)

Genes: ATM (ATM serine/threonine kinase; plus strand), C11orf65 (chromosome 11 open reading frame 65; minus strand). Cytogenetic location: 11q22.3.
Variant type: single nucleotide variant.
Coding change: c.6154G>A on transcript NM_000051.4 (MANE Select); coding-DNA position 6154, G replaced by A.
Protein change: p.Glu2052Lys; replaces glutamic acid 2052 with lysine.
Molecular consequence: missense variant. On other transcripts: intron variant (2).
Genome position (GRCh38, 1-based): chr11:108,316,069, G>A. VCF-style: chr11-108316069-G-A. GRCh37 (hg19) VCF-style: chr11-108186796-G-A.
Other names: p.E2052K:GAA>AAA; c.6154G>A, p.Glu2052Lys (NM_001351834.2); c.641-6998C>T (NM_001330368.2); c.*39-6998C>T (NM_001351110.2); short protein forms E2052K.
Identifiers: ClinVar variation 181975 (VCV000181975.59), dbSNP rs202206540, ClinGen allele CA298299.

ClinVar aggregate classification (germline): Conflicting classifications of pathogenicity. Review status: criteria provided, conflicting classifications (1 of 4 stars). 29 submissions from 28 submitters: Pathogenic (2); Likely pathogenic (19); Uncertain significance (5). 3 of the submissions do not count toward it. Last evaluated 2026-07-28.

Conditions:
ATM-related disorder. Also called: ATM-related disorders; ATM-related condition.
Familial cancer of breast. Also called: hereditary breast carcinoma; BREAST CANCER, FAMILIAL; Hereditary breast cancer. Identifiers: Orphanet 227535, MedGen C0346153, MONDO:0016419, OMIM 114480. Disease mechanism: loss of function.
Ataxia-telangiectasia syndrome (AT). Also called: ATAXIA-TELANGIECTASIA, COMPLEMENTATION GROUP A; ATAXIA-TELANGIECTASIA, FRESNO VARIANT; Ataxia-telangiectasia; Ataxia-telangiectasia, complementation group E; Cerebello-oculocutaneous telangiectasia; Immunodeficiency with ataxia telangiectasia. Identifiers: Orphanet 100, MedGen C0004135, MONDO:0008840, OMIM 208900.
Hereditary cancer-predisposing syndrome. Also called: Hereditary Cancer Syndrome; Tumor predisposition; Neoplastic Syndromes, Hereditary; Hereditary neoplastic syndrome. Identifiers: Orphanet 140162, MedGen C0027672, MeSH D009386, MONDO:0015356.
Hereditary breast ovarian cancer syndrome. Also called: Hereditary breast and ovarian cancer syndrome; Hereditary breast and ovarian cancer syndrome (HBOC); Hereditary breast and ovarian cancer; Hereditary breast and/or ovarian cancer syndrome; BRCA1- and BRCA2-Associated Hereditary Breast and Ovarian Cancer; Breast and ovarian cancer. Identifiers: Orphanet 145, MedGen C0677776, MeSH D061325, MONDO:0003582. Disease mechanism: loss of function.
Malignant tumor of breast. Also called: Malignant breast neoplasm; Cancer breast. Identifiers: MedGen C0006142, MONDO:0007254. Disease mechanism: loss of function.

Allele frequency attached by ClinVar (database versions not stated): gnomAD 0.00001; TOPMed 0.00002; gnomAD exomes 0.00003 and 0.00006; ExAC 0.00007; 1000 Genomes Project 30x 0.00016; 1000 Genomes Project 0.00020.
gnomAD v4.1: 49 of 1,614,038 alleles (0.003%); highest among the groups gnomAD compares: South Asian, 0.043%; 1 homozygote.

Submissions 1 to 6 of 29:

PreventionGenetics, part of Exact Sciences
Classification: Likely pathogenic for ATM-related condition. Last evaluated: 2026-07-28. Review status: criteria provided, single submitter. Criteria: ACMG Guidelines, 2015. Collection method: clinical testing. Allele origin: germline.
Comment: The ATM c.6154G>A variant is predicted to result in the amino acid substitution p.Glu2052Lys. This variant has been reported in the homozygous state in an individual with ataxia telangiectasia, and RNA studies suggest that this variant may disrupt mRNA splicing (Table 2, Teraoka et al. 1999. PubMed ID: 10330348). This variant has been reported in trans with another pathogenic variant in individuals and families affected with dystonia and clinical features consistent with variant ataxia telangiectasia (Blanchard-Rohner G et al. 2022. PubMed ID: 35154108; Charlesworth G et al. 2013. PubMed ID: 23946315; Necpál J et al. 2017. PubMed ID: 30363071). This variant has also been reported in multiple individuals with breast, ovarian, and colorectal cancers (see for example, Table S2, Kraus et al. 2017. PubMed ID: 27616075; Table S7, Lilyquist et al. 2017. PubMed ID: 28888541; Table S2, Hampel et al. 2018. PubMed ID: 29596542). Experimental studies in patient-derived lymphoblastic cell lines suggest that this variant may reduce but does not completely disrupt protein function (Blanchard-Rohner G et al. 2022. PubMed ID: 35154108). This variant is reported in 0.039% of alleles in individuals of South Asian descent in gnomAD and it has classifications ranging from pathogenic to uncertain by other institutions in ClinVar (Variation ID: 181975). This variant is interpreted as likely pathogenic.

Myriad Genetics, Inc.
Classification: Likely pathogenic for Familial cancer of breast. Last evaluated: 2026-05-27. Review status: criteria provided, single submitter. Criteria: Myriad Autosomal Dominant, Autosomal Recessive and X-Linked Classification Criteria (2023). Collection method: clinical testing. Allele origin: unknown.
Comment: This variant is considered likely pathogenic. This variant has been reported in multiple individuals with clinical features of gene-specific disease [PMID: 10330348, 23946315, 30363071, 31216378, 35154108]. Functional studies indicate this variant impacts protein function [PMID: 35154108, 10330348].

Labcorp Genetics (formerly Invitae), Labcorp
Classification: Likely pathogenic for Ataxia-telangiectasia syndrome. Last evaluated: 2026-01-26. Review status: criteria provided, single submitter. Criteria: Invitae Variant Classification Sherloc (09022015). Collection method: clinical testing. Allele origin: germline.
Comment: This sequence change replaces glutamic acid, which is acidic and polar, with lysine, which is basic and polar, at codon 2052 of the ATM protein (p.Glu2052Lys). This variant is present in population databases (rs202206540, gnomAD 0.04%). This missense change has been observed in individual(s) with ataxia-telangiectasia and/or with features of non-classical A-T, several of whom present with dystonia without ataxia and telangiectasia. This variant might be associated with non-classical A-T. It has also been observed in individuals with ovarian cancer and breast cancer (PMID: 10330348, 27616075, 28888541, 29470806, 30363071, 31216378, 31407689, 35154108, 38854973). In at least one individual the data is consistent with being in trans (on the opposite chromosome) from a pathogenic variant. It has also been observed to segregate with disease in related individuals. This suggests that this variant may not be disease-causing. ClinVar contains an entry for this variant (Variation ID: 181975). Invitae Evidence Modeling of protein sequence and biophysical properties (such as structural, functional, and spatial information, amino acid conservation, physicochemical variation, residue mobility, and thermodynamic stability) indicates that this missense variant is not expected to disrupt ATM protein function with a negative predictive value of 95%. RNA analysis performed to evaluate the impact of this missense change on mRNA splicing indicates it does not significantly alter splicing (internal data). In summary, the currently available evidence indicates that the variant is pathogenic, but additional data are needed to prove that conclusively. Therefore, this variant has been classified as Likely Pathogenic.

Color Diagnostics, LLC DBA Color Health
Classification: Likely pathogenic for Hereditary cancer-predisposing syndrome. Last evaluated: 2025-12-09. Review status: criteria provided, single submitter. Criteria: ACMG Guidelines, 2015. Collection method: clinical testing. Allele origin: germline.
Comment: This missense variant replaces glutamic acid with lysine at codon 2052 in the FAT domain of the ATM protein. Splice site prediction tools suggest that this variant may not impact RNA splicing. An RNA study suggested that this variant may impact splicing but the results were inconclusive (PMID: 10330348). More recent RNA studies indicated that this variant does not impact splicing (communication with an external laboratoryClinVar SCV000218611.14). Computational prediction tools suggest that this variant may not impact protein structure and function. This variant has been observed in the homozygous state and the compound heterozygous state with other pathogenic ATM variants in individuals and families affected with a mild form of autosomal-recessive ataxia-telangiectasia and/or dystonia (PMID: 10330348, 23946315, 30363071, 31407689, 35154108, 38854973), indicating that this variant contributes to disease. Lymphoblastoid cell lines derived from two of these individuals, siblings affected with variant ataxia-telangiectasia, showed reduced levels of ATM expression and kinase activity (PMID: 35154108). This variant has been reported in heterozygous individuals affected with breast cancer and/or ovarian cancer (PMID: 27616075, 29470806, 30128536, 31125277, 32125938, 32860008, 33919281, 35734982, 38118367, 38854973DOI: 10.14744/ejmo.2022.88057), prostate cancer (PMID: 32832836), and colorectal cancer (PMID: 29470806). This variant has been identified in 16/282788 chromosomes in the general population by the Genome Aggregation Database (gnomAD). Based on the available evidence, this variant is classified as Likely Pathogenic. Since this variant has been strongly associated with a mild form of an autosomal-recessive disease, it appears to be hypomorphic and may display reduced cancer penetrance relative to typical pathogenic ATM variants. Medical management of heterozygous individuals should be considered based on the individual's personal and family history.

CeGaT Center for Human Genetics Tuebingen
Classification: Likely pathogenic. Last evaluated: 2025-12-01. Review status: criteria provided, single submitter. Criteria: CeGaT Center For Human Genetics Tuebingen Variant Classification Criteria Version 2. Collection method: clinical testing. Allele origin: germline. Affected: yes. Observed: 1 variant allele.
Comment: ATM: PM2, PM3, PS3:Moderate

Foundation for Research in Genetics and Endocrinology, FRIGE's Institute of Human Genetics
Classification: Likely pathogenic for Familial cancer of breast. Last evaluated: 2025-12-01. Review status: criteria provided, single submitter. Criteria: ACMG Guidelines, 2015. Collection method: clinical testing. Allele origin: germline. Inheritance: Autosomal dominant inheritance. Affected: yes. Observed: 1 heterozygote.
Comment: A heterozygous missense variant in exon 42 of the ATM gene that results in the amino acid substitution of Lysine for Glutamic acid at codon 2052 (p.Glu2052Lys) was detected. The p.Glu2052Lys variant has a minor allele frequency of 0.02% and 0.0006% in the 1000 genomes and gnomAD databases, respectively. The in-silico predictions of the variant are possibly damaging by PolyPhen-2 (Hum_Div), damaging by SIFT, LRT, and Mutation Taster2 tools. The reference codon is conserved across species. In summary, the variant meets our criteria to be classified as likely pathogenic.